The following is an entry in ClinVar:

NM_004370.6(COL12A1):c.568A>T (p.Thr190Ser)

Gene: COL12A1 (collagen type XII alpha 1 chain; minus strand). Cytogenetic location: 6q13.
Variant type: single nucleotide variant.
Coding change: c.568A>T on transcript NM_004370.6 (MANE Select); coding-DNA position 568, A replaced by T.
Protein change: p.Thr190Ser; replaces threonine 190 with serine.
Molecular consequence: missense variant. On other transcripts: intron variant (2).
Genome position (GRCh38, 1-based): chr6:75,189,642, T>A on the plus strand (A>T on the coding strand, the complement: COL12A1 is on the minus strand). VCF-style: chr6-75189642-T-A. GRCh37 (hg19) VCF-style: chr6-75899358-T-A.
Other names: c.73+13078A>T (NM_080645.3, NM_001424116.1); c.568A>T, p.Thr190Ser (NM_001424113.1, NM_001424114.1, NM_001424115.1); short protein forms T190S.
Identifiers: ClinVar variation 4791304 (VCV004791304.1).

ClinVar aggregate classification (germline): Uncertain significance (1 of 4 stars; one submission).

Conditions:
Bethlem myopathy 2 (BTHLM2). Identifiers: Orphanet 536516, Orphanet 610, MedGen C4225313, MONDO:0034022, OMIM 616471.
Ullrich congenital muscular dystrophy 2 (UCMD2). Identifiers: Orphanet 75840, MedGen C4225314, MONDO:0014654, OMIM 616470.

gnomAD v4.1: 4 of 1,613,400 alleles (0.00025%); highest among the groups gnomAD compares: Non-Finnish European, 0.00025%; no homozygotes.

Submission:

Labcorp Genetics (formerly Invitae), Labcorp
Classification: Uncertain significance for Bethlem myopathy 2; Ullrich congenital muscular dystrophy 2. Last evaluated: 2025-09-05. Review status: criteria provided, single submitter. Criteria: Invitae Variant Classification Sherloc (09022015). Collection method: clinical testing. Allele origin: germline.
Comment: This sequence change replaces threonine, which is neutral and polar, with serine, which is neutral and polar, at codon 190 of the COL12A1 protein (p.Thr190Ser). This variant is not present in population databases (gnomAD no frequency). This variant has not been reported in the literature in individuals affected with COL12A1-related conditions. Invitae Evidence Modeling of protein sequence and biophysical properties (such as structural, functional, and spatial information, amino acid conservation, physicochemical variation, residue mobility, and thermodynamic stability) indicates that this missense variant is not expected to disrupt COL12A1 protein function with a negative predictive value of 80%. In summary, the available evidence is currently insufficient to determine the role of this variant in disease. Therefore, it has been classified as a Variant of Uncertain Significance.